The following is an entry in ClinVar:

ClinVar aggregate classification (germline): Uncertain significance. Review status: criteria provided, multiple submitters, no conflicts (2 of 4 stars). 2 submissions from 2 submitters: Uncertain significance (2). Last evaluated 2024-10-16.

Conditions:
Hereditary spastic paraplegia 8 (SPG8). Also called: SPASTIC PARAPLEGIA 8, AUTOSOMAL DOMINANT. Identifiers: Orphanet 100989, MedGen C1863704, MONDO:0011339, OMIM 603563.
Ritscher-Schinzel syndrome. Also called: CRANIOCEREBELLOCARDIAC DYSPLASIA. Identifiers: Orphanet 7, MedGen C0796137, MONDO:0019078.

Allele frequency attached by ClinVar (database versions not stated): TOPMed 0.00001; 1000 Genomes Project 30x 0.00016; 1000 Genomes Project 0.00020; ExAC 0.00002; gnomAD 0.00001.
gnomAD v4.1: 13 of 1,612,910 alleles (0.00081%); highest among the groups gnomAD compares: South Asian, 0.0066%; no homozygotes.

Submissions (2):

GeneDx
Classification: Uncertain significance. Last evaluated: 2024-10-16. Review status: criteria provided, single submitter. Criteria: GeneDx Variant Classification Process June 2021. Collection method: clinical testing. Allele origin: germline. Affected: yes.
Comment: In silico analysis supports that this missense variant has a deleterious effect on protein structure/function; Has not been previously published as pathogenic or benign to our knowledge

Labcorp Genetics (formerly Invitae), Labcorp
Classification: Uncertain significance for Ritscher-Schinzel syndrome; Hereditary spastic paraplegia 8. Last evaluated: 2022-09-17. Review status: criteria provided, single submitter. Criteria: Invitae Variant Classification Sherloc (09022015). Collection method: clinical testing. Allele origin: germline.
Comment: This variant has not been reported in the literature in individuals affected with WASHC5-related conditions. This sequence change replaces arginine, which is basic and polar, with tryptophan, which is neutral and slightly polar, at codon 1134 of the WASHC5 protein (p.Arg1134Trp). This variant is present in population databases (rs566930626, gnomAD 0.007%). Advanced modeling of protein sequence and biophysical properties (such as structural, functional, and spatial information, amino acid conservation, physicochemical variation, residue mobility, and thermodynamic stability) performed at Invitae indicates that this missense variant is not expected to disrupt WASHC5 protein function. In summary, the available evidence is currently insufficient to determine the role of this variant in disease. Therefore, it has been classified as a Variant of Uncertain Significance.

NM_014846.4(WASHC5):c.3400C>T (p.Arg1134Trp)

Gene: WASHC5 (WASH complex subunit 5; minus strand). Cytogenetic location: 8q24.13.
Variant type: single nucleotide variant.
Coding change: c.3400C>T on transcript NM_014846.4 (MANE Select); coding-DNA position 3400, C replaced by T.
Protein change: p.Arg1134Trp; replaces arginine 1134 with tryptophan.
Molecular consequence: missense variant.
Genome position (GRCh38, 1-based): chr8:125,028,643, G>A on the plus strand (C>T on the coding strand, the complement: WASHC5 is on the minus strand). VCF-style: chr8-125028643-G-A. GRCh37 (hg19) VCF-style: chr8-126040885-G-A.
Other names: c.2956C>T, p.Arg986Trp (NM_001330609.2); c.3400C>T (NM_014846.3); short protein forms R1134W, R986W.
Identifiers: ClinVar variation 2056949 (VCV002056949.5), dbSNP rs566930626, ClinGen allele CA4873225.